The following is an entry in ClinVar:

NM_004793.4(LONP1):c.259G>C (p.Glu87Gln)

Gene: LONP1 (lon peptidase 1, mitochondrial; minus strand). Cytogenetic location: 19p13.3.
Variant type: single nucleotide variant.
Coding change: c.259G>C on transcript NM_004793.4 (MANE Select); coding-DNA position 259, G replaced by C.
Protein change: p.Glu87Gln; replaces glutamic acid 87 with glutamine.
Molecular consequence: missense variant. On other transcripts: intron variant (2).
Genome position (GRCh38, 1-based): chr19:5,719,874, C>G on the plus strand (G>C on the coding strand, the complement: LONP1 is on the minus strand). VCF-style: chr19-5719874-C-G. GRCh37 (hg19) VCF-style: chr19-5719885-C-G.
Other names: c.-160+345G>C (NM_001276480.1); c.125-58G>C (NM_001276479.2); short protein forms E87Q.
Identifiers: ClinVar variation 3650563 (VCV003650563.2).

ClinVar aggregate classification (germline): Uncertain significance (1 of 4 stars; one submission).

Submission:

Labcorp Genetics (formerly Invitae), Labcorp
Classification: Uncertain significance. Last evaluated: 2024-04-22. Review status: criteria provided, single submitter. Criteria: Invitae Variant Classification Sherloc (09022015). Collection method: clinical testing. Allele origin: germline.
Comment: This sequence change replaces glutamic acid, which is acidic and polar, with glutamine, which is neutral and polar, at codon 87 of the LONP1 protein (p.Glu87Gln). This variant is not present in population databases (gnomAD no frequency). This variant has not been reported in the literature in individuals affected with LONP1-related conditions. An algorithm developed to predict the effect of missense changes on protein structure and function (PolyPhen-2) suggests that this variant is likely to be tolerated. In summary, the available evidence is currently insufficient to determine the role of this variant in disease. Therefore, it has been classified as a Variant of Uncertain Significance.